The following is an entry in ClinVar:

NM_005120.3(MED12):c.2714C>G (p.Ala905Gly)

Gene: MED12 (mediator complex subunit 12; plus strand). Cytogenetic location: Xq13.1.
Variant type: single nucleotide variant.
Coding change: c.2714C>G on transcript NM_005120.3 (MANE Select); coding-DNA position 2714, C replaced by G.
Protein change: p.Ala905Gly; replaces alanine 905 with glycine.
Molecular consequence: missense variant.
Genome position (GRCh38, 1-based): chrX:71,126,997, C>G. VCF-style: chrX-71126997-C-G. GRCh37 (hg19) VCF-style: chrX-70346847-C-G.
Other names: short protein forms A905G.
Identifiers: ClinVar variation 2578278 (VCV002578278.1), dbSNP rs2147797753, ClinGen allele CA413516085.
Genomic context (GRCh38, chrX:71,126,997, plus strand): 5'-TTTGCATTTCTCACCCCCGTTTACTCTGCTAGCTGCTGAATGAACTGAGTGTAGTTGAGG[C>G]TGAGCTGCTTCTCAAATCCTCGGATCTGGTGGGCAGCTACACTACTAGCCTGTGCCTGTG-3'
Protein context (NP_005111.2, residues 895-915): QLLNELSVVE[Ala905Gly]ELLLKSSDLV

ClinVar aggregate classification (germline): Uncertain significance (1 of 4 stars; one submission).

Submission:

GeneDx
Classification: Uncertain significance. Last evaluated: 2023-03-02. Review status: criteria provided, single submitter. Criteria: GeneDx Variant Classification Process June 2021. Collection method: clinical testing. Allele origin: germline. Affected: yes.
Comment: Not observed at significant frequency in large population cohorts (gnomAD); In silico analysis supports that this missense variant has a deleterious effect on protein structure/function; Has not been previously published as pathogenic or benign to our knowledge; Segregates with disease in affected individuals from a single family referred for genetic testing at GeneDx